The following is an entry in ClinVar:

NM_000038.6(APC):c.7764T>A (p.Asp2588Glu)

Gene: APC (APC regulator of Wnt signaling pathway; plus strand). Cytogenetic location: 5q22.2.
Variant type: single nucleotide variant.
Coding change: c.7764T>A on transcript NM_000038.6 (MANE Select); coding-DNA position 7764, T replaced by A.
Protein change: p.Asp2588Glu; replaces aspartic acid 2588 with glutamic acid.
Molecular consequence: missense variant.
Genome position (GRCh38, 1-based): chr5:112,843,358, T>A. VCF-style: chr5-112843358-T-A. GRCh37 (hg19) VCF-style: chr5-112179055-T-A.
Other names: c.7764T>A, p.Asp2588Glu (NM_001127510.3, NM_001354895.2); c.7710T>A, p.Asp2570Glu (NM_001127511.3); c.7818T>A, p.Asp2606Glu (NM_001354896.2); c.7794T>A, p.Asp2598Glu (NM_001354897.2); c.7689T>A, p.Asp2563Glu (NM_001354898.2); c.7680T>A, p.Asp2560Glu (NM_001354899.2); c.7641T>A, p.Asp2547Glu (NM_001354900.2); c.7587T>A, p.Asp2529Glu (NM_001354901.2); and 5 more; short protein forms D2570E, D2588E, D2563E, D2606E, D2428E, D2462E, D2547E, D2598E.
Identifiers: ClinVar variation 470107 (VCV000470107.12), dbSNP rs757073062, ClinGen allele CA16038196.

ClinVar aggregate classification (germline): Uncertain significance. Review status: criteria provided, multiple submitters, no conflicts (2 of 4 stars). 2 submissions from 2 submitters: Uncertain significance (2). Last evaluated 2025-11-04.

Conditions:
Hereditary cancer-predisposing syndrome. Also called: Hereditary neoplastic syndrome; Neoplastic Syndromes, Hereditary; Tumor predisposition; Hereditary Cancer Syndrome. Identifiers: Orphanet 140162, MedGen C0027672, MeSH D009386, MONDO:0015356.
Familial adenomatous polyposis 1 (FAP1). Also called: POLYPOSIS, ADENOMATOUS INTESTINAL; FAMILIAL ADENOMATOUS POLYPOSIS 1, ATTENUATED. Identifiers: MedGen C2713442, MONDO:0021056, OMIM 175100. Disease mechanism: loss of function.

Submissions (2):

Ambry Genetics
Classification: Uncertain significance for Hereditary cancer-predisposing syndrome. Last evaluated: 2025-11-04. Review status: criteria provided, single submitter. Criteria: Ambry Variant Classification Scheme 2023. Collection method: clinical testing. Allele origin: germline.
Comment: The p.D2588E variant (also known as c.7764T>A), located in coding exon 15 of the APC gene, results from a T to A substitution at nucleotide position 7764. The aspartic acid at codon 2588 is replaced by glutamic acid, an amino acid with highly similar properties. This amino acid position is well conserved in available vertebrate species. In addition, in silico predictors for this gene do not accurately predict pathogenicity. Missense variants in APC are not a common cause of disease (Spier I et al. Genet Med. 2024 Feb;26(2):100992). Based on the available evidence, the clinical significance of this variant remains unclear.

Labcorp Genetics (formerly Invitae), Labcorp
Classification: Uncertain significance for Familial adenomatous polyposis 1. Last evaluated: 2024-03-02. Review status: criteria provided, single submitter. Criteria: Invitae Variant Classification Sherloc (09022015). Collection method: clinical testing. Allele origin: germline.
Comment: This sequence change replaces aspartic acid, which is acidic and polar, with glutamic acid, which is acidic and polar, at codon 2588 of the APC protein (p.Asp2588Glu). This variant is not present in population databases (gnomAD no frequency). This variant has not been reported in the literature in individuals affected with APC-related conditions. ClinVar contains an entry for this variant (Variation ID: 470107). Advanced modeling of protein sequence and biophysical properties (such as structural, functional, and spatial information, amino acid conservation, physicochemical variation, residue mobility, and thermodynamic stability) performed at Invitae indicates that this missense variant is not expected to disrupt APC protein function with a negative predictive value of 95%. In summary, the available evidence is currently insufficient to determine the role of this variant in disease. Therefore, it has been classified as a Variant of Uncertain Significance.